The following is an entry in ClinVar:

ClinVar aggregate classification (germline): Likely benign (1 of 4 stars; one submission).

Conditions:
SFTPB-related disorder. Also called: SFTPB-related condition.

gnomAD v4.1: 90 of 1,602,552 alleles (0.0056%); highest among the groups gnomAD compares: Non-Finnish European, 0.0071%; no homozygotes.

Submission:

PreventionGenetics, part of Exact Sciences
Classification: Likely benign for SFTPB-related condition. Last evaluated: 2025-03-18. Review status: criteria provided, single submitter. Criteria: ACMG Guidelines, 2015. Collection method: clinical testing. Allele origin: germline.
Comment: This variant is classified as likely benign based on ACMG/AMP sequence variant interpretation guidelines (Richards et al. 2015 PMID: 25741868, with internal and published modifications).

NM_000542.5(SFTPB):c.726G>A (p.Ala242=)

Gene: SFTPB (surfactant protein B; minus strand). Cytogenetic location: 2p11.2.
Variant type: single nucleotide variant.
Coding change: c.726G>A on transcript NM_000542.5 (MANE Select); coding-DNA position 726, G replaced by A.
Protein change: p.Ala242=; no amino-acid change (alanine 242 retained).
Molecular consequence: synonymous variant.
Genome position (GRCh38, 1-based): chr2:85,663,794, C>T on the plus strand (G>A on the coding strand, the complement: SFTPB is on the minus strand). VCF-style: chr2-85663794-C-T. GRCh37 (hg19) VCF-style: chr2-85890917-C-T.
Other names: c.726G>A, p.Ala242= (NM_001367281.2, NM_198843.4).
Identifiers: ClinVar variation 4977466 (VCV004977466.1).